The following is an entry in ClinVar:

ClinVar aggregate classification (germline): Likely benign (1 of 4 stars; one submission).

Conditions:
Medulloblastoma (MDB). Also called: Medulloblastoma, somatic; MEDULLOBLASTOMA PREDISPOSITION SYNDROME. Identifiers: Orphanet 616, MedGen C0025149, MeSH D008527, MONDO:0007959, OMIM 155255, HP:0002885.

Allele frequency attached by ClinVar (database versions not stated): 1000 Genomes Project 0.01278; 1000 Genomes Project 30x 0.01280; TOPMed 0.02506; gnomAD exomes 0.03066; gnomAD 0.03200 and 0.03346.
gnomAD v4.1: 7,371 of 233,322 alleles (3.2%); highest among the groups gnomAD compares: Non-Finnish European, 4.5%; 184 homozygotes.

Submission:

Illumina Laboratory Services, Illumina
Classification: Likely benign for Medulloblastoma. Last evaluated: 2018-01-13. Review status: criteria provided, single submitter. Criteria: ICSL Variant Classification Criteria 13 December 2019. Collection method: clinical testing. Allele origin: germline.
Comment: This variant was observed in the ICSL laboratory as part of a predisposition screen in an ostensibly healthy population. It had not been previously curated by ICSL or reported in the Human Gene Mutation Database (HGMD: prior to June 1st, 2018), and was therefore a candidate for classification through an automated scoring system. Utilizing variant allele frequency, disease prevalence and penetrance estimates, and inheritance mode, an automated score was calculated to assess if this variant is too frequent to cause the disease. Based on the score and internal cut-off values, a variant classified as likely benign is not then subjected to further curation. The score for this variant resulted in a classification of likely benign for this disease.

NM_016169.4(SUFU):c.*1675G>A

Gene: SUFU (SUFU negative regulator of hedgehog signaling; plus strand). Cytogenetic location: 10q24.32.
Variant type: single nucleotide variant.
Coding change: c.*1675G>A on transcript NM_016169.4 (MANE Select); 1675 bases downstream of the stop codon, G replaced by A.
Molecular consequence: 3 prime UTR variant.
Genome position (GRCh38, 1-based): chr10:102,631,830, G>A. VCF-style: chr10-102631830-G-A. GRCh37 (hg19) VCF-style: chr10-104391587-G-A.
Identifiers: ClinVar variation 298593 (VCV000298593.5), dbSNP rs41287466, ClinGen allele CA10634403.